The following is an entry in ClinVar:

NM_022437.3(ABCG8):c.161_162delinsGA (p.Tyr54Ter)

Gene: ABCG8 (ATP binding cassette subfamily G member 8; plus strand). Cytogenetic location: 2p21.
Variant type: Indel.
Coding change: c.161_162delinsGA on transcript NM_022437.3 (MANE Select); coding-DNA positions 161 to 162, AC replaced by GA.
Protein change: p.Tyr54Ter; replaces tyrosine 54 with a stop codon.
Molecular consequence: nonsense.
Genome position (GRCh38, 1-based): chr2:43,844,604-43,844,605, AC replaced by GA. VCF-style: chr2-43844604-AC-GA. GRCh37 (hg19) VCF-style: chr2-44071743-AC-GA.
Other names: c.161_162delinsGA, p.Tyr54Ter (NM_001357321.2); short protein forms Y54*.
Identifiers: ClinVar variation 4705536 (VCV004705536.1).

ClinVar aggregate classification (germline): Pathogenic (1 of 4 stars; one submission).

Submission:

Labcorp Genetics (formerly Invitae), Labcorp
Classification: Pathogenic. Last evaluated: 2025-03-09. Review status: criteria provided, single submitter. Criteria: Invitae Variant Classification Sherloc (09022015). Collection method: clinical testing. Allele origin: germline.
Comment: This sequence change creates a premature translational stop signal (p.Tyr54*) in the ABCG8 gene. It is expected to result in an absent or disrupted protein product. Loss-of-function variants in ABCG8 are known to be pathogenic (PMID: 11452359, 15375183, 16029460). This variant is present in population databases (no rsID available, gnomAD 0.001%). This variant has not been reported in the literature in individuals affected with ABCG8-related conditions. For these reasons, this variant has been classified as Pathogenic.

Literature cited by the submitters: PubMed 11452359; PubMed 15375183; PubMed 16029460.